The following is an entry in ClinVar:

ClinVar aggregate classification (germline): Uncertain significance. Review status: criteria provided, multiple submitters, no conflicts (2 of 4 stars). 2 submissions from 2 submitters: Uncertain significance (2). Last evaluated 2022-08-16.

Conditions:
Perrault syndrome. Also called: Gonadal dysgenesis with auditory dysfunction, autosomal recessive inheritance. Identifiers: Orphanet 2855, MedGen C0685838, MONDO:0017312.
Bifunctional peroxisomal enzyme deficiency (DBIF). Also called: DBP DEFICIENCY; PBFE DEFICIENCY; D-bifunctional protein deficiency. Identifiers: Orphanet 300, MedGen C0342870, MONDO:0009855, OMIM 261515. Disease mechanism: loss of function.
Inborn genetic diseases. Identifiers: MedGen C0950123, MeSH D030342.

Allele frequency attached by ClinVar (database versions not stated): gnomAD 0.00001; gnomAD exomes 0.00001; ExAC 0.00003; TOPMed 0.00003.
gnomAD v4.1: 10 of 1,613,652 alleles (0.00062%); highest among the groups gnomAD compares: Admixed American, 0.012%; no homozygotes.

Submissions (2):

Labcorp Genetics (formerly Invitae), Labcorp
Classification: Uncertain significance for Perrault syndrome; Bifunctional peroxisomal enzyme deficiency. Last evaluated: 2022-08-16. Review status: criteria provided, single submitter. Criteria: Invitae Variant Classification Sherloc (09022015). Collection method: clinical testing. Allele origin: germline.
Comment: This sequence change replaces lysine, which is basic and polar, with glutamic acid, which is acidic and polar, at codon 184 of the HSD17B4 protein (p.Lys184Glu). This variant is present in population databases (rs764299947, gnomAD 0.01%). This variant has not been reported in the literature in individuals affected with HSD17B4-related conditions. Algorithms developed to predict the effect of missense changes on protein structure and function are either unavailable or do not agree on the potential impact of this missense change (SIFT: "Deleterious"; PolyPhen-2: "Benign"; Align-GVGD: "Class C0"). In summary, the available evidence is currently insufficient to determine the role of this variant in disease. Therefore, it has been classified as a Variant of Uncertain Significance.

Ambry Genetics
Classification: Uncertain significance for Inborn genetic diseases. Last evaluated: 2022-03-23. Review status: criteria provided, single submitter. Criteria: Ambry Variant Classification Scheme 2023. Collection method: clinical testing. Allele origin: germline.

NM_000414.4(HSD17B4):c.550A>G (p.Lys184Glu)

Gene: HSD17B4 (hydroxysteroid 17-beta dehydrogenase 4; plus strand). Cytogenetic location: 5q23.1.
Variant type: single nucleotide variant.
Coding change: c.550A>G on transcript NM_000414.4 (MANE Select); coding-DNA position 550, A replaced by G.
Protein change: p.Lys184Glu; replaces lysine 184 with glutamic acid.
Molecular consequence: missense variant. On other transcripts: non-coding transcript variant (2).
Genome position (GRCh38, 1-based): chr5:119,478,949, A>G. VCF-style: chr5-119478949-A-G. GRCh37 (hg19) VCF-style: chr5-118814644-A-G.
Other names: c.625A>G, p.Lys209Glu (NM_001199291.3); c.496A>G, p.Lys166Glu (NM_001199292.2); c.478A>G, p.Lys160Glu (NM_001292027.2); c.130A>G, p.Lys44Glu (NM_001292028.2); c.541A>G, p.Lys181Glu (NM_001374497.1); c.550A>G, p.Lys184Glu (NM_001374498.1); c.223A>G, p.Lys75Glu (NM_001374499.1); c.109A>G, p.Lys37Glu (NM_001374500.1); and 2 more; short protein forms K166E, K37E, K47E, K75E, K209E, K160E, K181E, K184E.
Identifiers: ClinVar variation 2151758 (VCV002151758.2), dbSNP rs764299947, ClinGen allele CA3381873.